The following is an entry in ClinVar:

ClinVar aggregate classification (germline): Likely benign. Review status: criteria provided, multiple submitters, no conflicts (2 of 4 stars). 2 submissions from 2 submitters: Likely benign (2). Last evaluated 2026-09-01.

Allele frequency attached by ClinVar (database versions not stated): gnomAD exomes below 0.00001.
gnomAD v4.1: 6 of 1,614,146 alleles (0.00037%); highest among the groups gnomAD compares: Non-Finnish European, 0.00051%; no homozygotes.

Submissions (2):

CeGaT Center for Human Genetics Tuebingen
Classification: Likely benign. Last evaluated: 2026-09-01. Review status: criteria provided, single submitter. Criteria: CeGaT Center For Human Genetics Tuebingen Variant Classification Criteria Version 2. Collection method: clinical testing. Allele origin: germline. Affected: yes. Observed: 1 variant allele.
Comment: KMT2A: BP4, BP7

Labcorp Genetics (formerly Invitae), Labcorp
Classification: Likely benign. Last evaluated: 2023-02-18. Review status: criteria provided, single submitter. Criteria: Invitae Variant Classification Sherloc (09022015). Collection method: clinical testing. Allele origin: germline.

NM_001197104.2(KMT2A):c.7917A>G (p.Gly2639=)

Gene: KMT2A (lysine methyltransferase 2A; plus strand). Cytogenetic location: 11q23.3.
Variant type: single nucleotide variant.
Coding change: c.7917A>G on transcript NM_001197104.2 (MANE Select); coding-DNA position 7917, A replaced by G.
Protein change: p.Gly2639=; no amino-acid change (glycine 2639 retained).
Molecular consequence: synonymous variant.
Genome position (GRCh38, 1-based): chr11:118,503,809, A>G. VCF-style: chr11-118503809-A-G. GRCh37 (hg19) VCF-style: chr11-118374524-A-G.
Other names: c.8007A>G, p.Gly2669= (NM_001412597.1); c.7908A>G, p.Gly2636= (NM_005933.4).
Identifiers: ClinVar variation 3012168 (VCV003012168.4), dbSNP rs889762404, ClinGen allele CA229527129.